The following is an entry in ClinVar:

NM_000346.4(SOX9):c.629A>G (p.Asp210Gly)

Gene: SOX9 (SRY-box transcription factor 9; plus strand). Cytogenetic location: 17q24.3.
Variant type: single nucleotide variant.
Coding change: c.629A>G on transcript NM_000346.4 (MANE Select); coding-DNA position 629, A replaced by G.
Protein change: p.Asp210Gly; replaces aspartic acid 210 with glycine.
Molecular consequence: missense variant.
Genome position (GRCh38, 1-based): chr17:72,122,916, A>G. VCF-style: chr17-72122916-A-G. GRCh37 (hg19) VCF-style: chr17-70119057-A-G.
Other names: short protein forms D210G.
Identifiers: ClinVar variation 1717758 (VCV001717758.6), dbSNP rs2143246916, ClinGen allele CA400866706.

ClinVar aggregate classification (germline): Uncertain significance (1 of 4 stars; one submission).

Conditions:
Camptomelic dysplasia (CMPD). Also called: CMPD1/SRA1; Campomelic Dysplasia. Identifiers: Orphanet 140, MedGen C1861922, MONDO:0007251, OMIM 114290.

Submission:

Labcorp Genetics (formerly Invitae), Labcorp
Classification: Uncertain significance for Camptomelic dysplasia. Last evaluated: 2025-03-24. Review status: criteria provided, single submitter. Criteria: Invitae Variant Classification Sherloc (09022015). Collection method: clinical testing. Allele origin: germline.
Comment: This sequence change replaces aspartic acid, which is acidic and polar, with glycine, which is neutral and non-polar, at codon 210 of the SOX9 protein (p.Asp210Gly). This variant is not present in population databases (gnomAD no frequency). This variant has not been reported in the literature in individuals affected with SOX9-related conditions. ClinVar contains an entry for this variant (Variation ID: 1717758). Invitae Evidence Modeling of protein sequence and biophysical properties (such as structural, functional, and spatial information, amino acid conservation, physicochemical variation, residue mobility, and thermodynamic stability) has been performed for this missense variant. However, the output from this modeling did not meet the statistical confidence thresholds required to predict the impact of this variant on SOX9 protein function. In summary, the available evidence is currently insufficient to determine the role of this variant in disease. Therefore, it has been classified as a Variant of Uncertain Significance.